The following is an entry in ClinVar:

ClinVar aggregate classification (germline): Pathogenic. Review status: criteria provided, multiple submitters, no conflicts (2 of 4 stars). 2 submissions from 2 submitters: Pathogenic (2). Last evaluated 2022-09-03.

Submissions (2):

Labcorp Genetics (formerly Invitae), Labcorp
Classification: Pathogenic. Last evaluated: 2022-09-03. Review status: criteria provided, single submitter. Criteria: Invitae Variant Classification Sherloc (09022015). Collection method: clinical testing. Allele origin: germline.
Comment: Disruption of this splice site has been observed in individual(s) with Usher syndrome (PMID: 21940737). In at least one individual the data is consistent with being in trans (on the opposite chromosome) from a pathogenic variant. For these reasons, this variant has been classified as Pathogenic. Algorithms developed to predict the effect of sequence changes on RNA splicing suggest that this variant may disrupt the consensus splice site. ClinVar contains an entry for this variant (Variation ID: 379600). This variant is not present in population databases (gnomAD no frequency). This sequence change affects a donor splice site in intron 4 of the CDH23 gene. It is expected to disrupt RNA splicing. Variants that disrupt the donor or acceptor splice site typically lead to a loss of protein function (PMID: 16199547), and loss-of-function variants in CDH23 are known to be pathogenic (PMID: 11138009, 21940737).

GeneDx
Classification: Pathogenic. Last evaluated: 2021-08-19. Review status: criteria provided, single submitter. Criteria: GeneDx Variant Classification Process June 2021. Collection method: clinical testing. Allele origin: germline. Affected: yes.
Comment: Canonical splice site variant predicted to result in a null allele in a gene for which loss-of-function is a known mechanism of disease; Not observed at significant frequency in large population cohorts (Lek et al., 2016); This variant is associated with the following publications: (PMID: 21940737, 31546658)

Literature cited by the submitters: PubMed 21940737 (cited by Labcorp Genetics (formerly Invitae), Labcorp); PubMed 16199547 (cited by Labcorp Genetics (formerly Invitae), Labcorp); PubMed 11138009 (cited by Labcorp Genetics (formerly Invitae), Labcorp).

NM_022124.6(CDH23):c.288+1G>C

Genes: CDH23 (cadherin related 23; plus strand), CDH23-AS1 (CDH23 antisense RNA 1; minus strand). Cytogenetic location: 10q22.1.
Variant type: single nucleotide variant.
Coding change: c.288+1G>C on transcript NM_022124.6 (MANE Select); the canonical splice donor site of the intron after coding-DNA position 288, G replaced by C.
Molecular consequence: splice donor variant.
Genome position (GRCh38, 1-based): chr10:71,510,225, G>C. VCF-style: chr10-71510225-G-C. GRCh37 (hg19) VCF-style: chr10-73269982-G-C.
Other names: c.288+1G>C (NM_001171930.2, NM_001171931.2, NM_052836.4 and 1 more transcripts).
Identifiers: ClinVar variation 379600 (VCV000379600.8), dbSNP rs1057520661, ClinGen allele CA16605678.